The following is an entry in ClinVar:

NM_000143.4(FH):c.688A>C (p.Lys230Gln)

Gene: FH (fumarate hydratase; minus strand). Cytogenetic location: 1q43.
Variant type: single nucleotide variant.
Coding change: c.688A>C on transcript NM_000143.4 (MANE Select); coding-DNA position 688, A replaced by C.
Protein change: p.Lys230Gln; replaces lysine 230 with glutamine.
Molecular consequence: missense variant.
Genome position (GRCh38, 1-based): chr1:241,508,653, T>G on the plus strand (A>C on the coding strand, the complement: FH is on the minus strand). VCF-style: chr1-241508653-T-G. GRCh37 (hg19) VCF-style: chr1-241671953-T-G.
Other names: short protein forms K230Q.
Identifiers: ClinVar variation 1072934 (VCV001072934.9), dbSNP rs863223967, ClinGen allele CA345439238.

ClinVar aggregate classification (germline): Pathogenic (1 of 4 stars; one submission).

Submission:

Labcorp Genetics (formerly Invitae), Labcorp
Classification: Pathogenic. Last evaluated: 2020-07-30. Review status: criteria provided, single submitter. Criteria: Invitae Variant Classification Sherloc (09022015). Collection method: clinical testing. Allele origin: germline.
Comment: For these reasons, this variant has been classified as Pathogenic. This variant disrupts the p.Lys230 amino acid residue in FH. Other variant(s) that disrupt this residue have been determined to be pathogenic (PMID: 11865300, 12761039, 12772087, 26574848, 9635293, 11865300, 16206287, 19470762). This suggests that this residue is clinically significant, and that variants that disrupt this residue are likely to be disease-causing. Advanced modeling of protein sequence and biophysical properties (such as structural, functional, and spatial information, amino acid conservation, physicochemical variation, residue mobility, and thermodynamic stability) performed at Invitae indicates that this missense variant is expected to disrupt FH protein function. This variant has been observed in individual(s) with cutaneous leiomyomas (Invitae). This variant is not present in population databases (ExAC no frequency). This sequence change replaces lysine with glutamine at codon 230 of the FH protein (p.Lys230Gln). The lysine residue is highly conserved and there is a small physicochemical difference between lysine and glutamine.

Literature cited by the submitters: PubMed 11865300; PubMed 12761039; PubMed 12772087; PubMed 26574848; PubMed 9635293; PubMed 16206287; PubMed 19470762.